The following is an entry in ClinVar:

NM_004329.3(BMPR1A):c.515G>C (p.Ser172Thr)

Gene: BMPR1A (bone morphogenetic protein receptor type 1A; plus strand). Cytogenetic location: 10q23.2.
Variant type: single nucleotide variant.
Coding change: c.515G>C on transcript NM_004329.3 (MANE Select); coding-DNA position 515, G replaced by C.
Protein change: p.Ser172Thr; replaces serine 172 with threonine.
Molecular consequence: missense variant.
Genome position (GRCh38, 1-based): chr10:86,900,111, G>C. VCF-style: chr10-86900111-G-C. GRCh37 (hg19) VCF-style: chr10-88659868-G-C.
Other names: c.515G>C, p.Ser172Thr (NM_001406559.1, NM_001406560.1, NM_001406561.1 and 22 more transcripts); c.431G>C, p.Ser144Thr (NM_001406584.1, NM_001406585.1, NM_001406586.1 and 2 more transcripts); short protein forms S172T, S144T.
Identifiers: ClinVar variation 1745717 (VCV001745717.3), dbSNP rs2133457772, ClinGen allele CA377450685.

ClinVar aggregate classification (germline): Uncertain significance (1 of 4 stars; one submission).

Conditions:
Hereditary cancer-predisposing syndrome. Also called: Hereditary Cancer Syndrome; Neoplastic Syndromes, Hereditary; Tumor predisposition; Hereditary neoplastic syndrome. Identifiers: Orphanet 140162, MedGen C0027672, MeSH D009386, MONDO:0015356.

Submission:

Ambry Genetics
Classification: Uncertain significance for Hereditary cancer-predisposing syndrome. Last evaluated: 2024-08-23. Review status: criteria provided, single submitter. Criteria: Ambry Variant Classification Scheme 2023. Collection method: clinical testing. Allele origin: germline.
Comment: The p.S172T variant (also known as c.515G>C), located in coding exon 5 of the BMPR1A gene, results from a G to C substitution at nucleotide position 515. The serine at codon 172 is replaced by threonine, an amino acid with similar properties. This amino acid position is well conserved in available vertebrate species. In addition, this alteration is predicted to be tolerated by in silico analysis. Based on the available evidence, the clinical significance of this variant remains unclear.